The following is an entry in ClinVar:

ClinVar aggregate classification (germline): Uncertain significance. Review status: criteria provided, multiple submitters, no conflicts (2 of 4 stars). 2 submissions from 2 submitters: Uncertain significance (2). Last evaluated 2025-10-02.

Conditions:
Hereditary cancer-predisposing syndrome. Also called: Tumor predisposition; Hereditary neoplastic syndrome; Neoplastic Syndromes, Hereditary; Hereditary Cancer Syndrome. Identifiers: Orphanet 140162, MedGen C0027672, MeSH D009386, MONDO:0015356.
Multiple endocrine neoplasia type 4. Also called: MULTIPLE ENDOCRINE NEOPLASIA, TYPE IV. Identifiers: Orphanet 276152, MedGen C1970712, MONDO:0012552, OMIM 610755.

Submissions (2):

Labcorp Genetics (formerly Invitae), Labcorp
Classification: Uncertain significance for Multiple endocrine neoplasia type 4. Last evaluated: 2025-10-02. Review status: criteria provided, single submitter. Criteria: Invitae Variant Classification Sherloc (09022015). Collection method: clinical testing. Allele origin: germline.
Comment: This sequence change replaces proline, which is neutral and non-polar, with histidine, which is basic and polar, at codon 69 of the CDKN1B protein (p.Pro69His). This variant is not present in population databases (gnomAD no frequency). This variant has not been reported in the literature in individuals affected with CDKN1B-related conditions. ClinVar contains an entry for this variant (Variation ID: 1498043). An algorithm developed to predict the effect of missense changes on protein structure and function (PolyPhen-2) suggests that this variant is likely to be disruptive. In summary, the available evidence is currently insufficient to determine the role of this variant in disease. Therefore, it has been classified as a Variant of Uncertain Significance.

Ambry Genetics
Classification: Uncertain significance for Hereditary cancer-predisposing syndrome. Last evaluated: 2025-05-05. Review status: criteria provided, single submitter. Criteria: Ambry Variant Classification Scheme 2023. Collection method: clinical testing. Allele origin: germline.
Comment: The p.P69H variant (also known as c.206C>A), located in coding exon 1 of the CDKN1B gene, results from a C to A substitution at nucleotide position 206. The proline at codon 69 is replaced by histidine, an amino acid with similar properties. This amino acid position is highly conserved in available vertebrate species. In addition, this alteration is predicted to be deleterious by in silico analysis. Based on the available evidence, the clinical significance of this variant remains unclear.

NM_004064.5(CDKN1B):c.206C>A (p.Pro69His)

Gene: CDKN1B (cyclin dependent kinase inhibitor 1B; plus strand). Cytogenetic location: 12p13.1.
Variant type: single nucleotide variant.
Coding change: c.206C>A on transcript NM_004064.5 (MANE Select); coding-DNA position 206, C replaced by A.
Protein change: p.Pro69His; replaces proline 69 with histidine.
Molecular consequence: missense variant.
Genome position (GRCh38, 1-based): chr12:12,718,045, C>A. VCF-style: chr12-12718045-C-A. GRCh37 (hg19) VCF-style: chr12-12870979-C-A.
Other names: c.206C>A (NM_004064.3); short protein forms P69H.
Identifiers: ClinVar variation 1498043 (VCV001498043.9), dbSNP rs777354267, ClinGen allele CA383969510.